The following is an entry in ClinVar:

ClinVar aggregate classification (germline): Likely benign. Review status: criteria provided, multiple submitters, no conflicts (2 of 4 stars). 3 submissions from 3 submitters: Likely benign (3). Last evaluated 2026-04-01.

Conditions:
Cardiovascular phenotype. Identifiers: MedGen CN230736.
RASopathy. Also called: rasopathies; Noonan spectrum disorder. Identifiers: Orphanet 536391, MedGen C5555857, MONDO:0021060.

Allele frequency attached by ClinVar (database versions not stated): gnomAD exomes below 0.00001 and 0.00001; ExAC 0.00001; gnomAD 0.00001; TOPMed 0.00001; 1000 Genomes Project 0.00020; 1000 Genomes Project 30x 0.00031.
gnomAD v4.1: 5 of 1,614,016 alleles (0.00031%); highest among the groups gnomAD compares: African/African-American, 0.0027%; no homozygotes.

Submissions (3):

CeGaT Center for Human Genetics Tuebingen
Classification: Likely benign. Last evaluated: 2026-04-01. Review status: criteria provided, single submitter. Criteria: CeGaT Center For Human Genetics Tuebingen Variant Classification Criteria Version 2. Collection method: clinical testing. Allele origin: germline. Affected: yes. Observed: 1 variant allele.
Comment: BRAF: BP4, BP7

Ambry Genetics
Classification: Likely benign for Cardiovascular phenotype. Last evaluated: 2025-05-18. Review status: criteria provided, single submitter. Criteria: Ambry Variant Classification Scheme 2023. Collection method: clinical testing. Allele origin: germline.

Labcorp Genetics (formerly Invitae), Labcorp
Classification: Likely benign for RASopathy. Last evaluated: 2024-10-16. Review status: criteria provided, single submitter. Criteria: Invitae Variant Classification Sherloc (09022015). Collection method: clinical testing. Allele origin: germline.

NM_004333.6(BRAF):c.1572A>G (p.Gln524=)

Gene: BRAF (B-Raf proto-oncogene, serine/threonine kinase; minus strand). Cytogenetic location: 7q34.
Variant type: single nucleotide variant.
Coding change: c.1572A>G on transcript NM_004333.6 (MANE Select); coding-DNA position 1572, A replaced by G.
Protein change: p.Gln524=; no amino-acid change (glutamine 524 retained).
Molecular consequence: synonymous variant.
Genome position (GRCh38, 1-based): chr7:140,777,034, T>C on the plus strand (A>G on the coding strand, the complement: BRAF is on the minus strand). VCF-style: chr7-140777034-T-C. GRCh37 (hg19) VCF-style: chr7-140476834-T-C.
Other names: c.1572A>G (NM_004333.4); c.1572A>G, p.Gln524= (NM_001354609.2, NM_001378468.1, NM_001378474.1); c.1692A>G, p.Gln564= (NM_001374244.1, NM_001374258.1); c.1581A>G, p.Gln527= (NM_001378467.1); c.1506A>G, p.Gln502= (NM_001378469.1); c.1470A>G, p.Gln490= (NM_001378470.1); c.1461A>G, p.Gln487= (NM_001378471.1); c.1416A>G, p.Gln472= (NM_001378472.1, NM_001378473.1); and 1 more.
Identifiers: ClinVar variation 1608829 (VCV001608829.11), dbSNP rs552471935, ClinGen allele CA4516704.